The following is an entry in ClinVar:

ClinVar aggregate classification (germline): Uncertain significance (1 of 4 stars; one submission).

Conditions:
Lethal multiple pterygium syndrome (LMPS). Identifiers: Orphanet 33108, MedGen C1854678, MONDO:0009668, OMIM 253290.

Submission:

Labcorp Genetics (formerly Invitae), Labcorp
Classification: Uncertain significance for Lethal multiple pterygium syndrome. Last evaluated: 2023-07-10. Review status: criteria provided, single submitter. Criteria: Invitae Variant Classification Sherloc (09022015). Collection method: clinical testing. Allele origin: germline.
Comment: This sequence change replaces tyrosine, which is neutral and polar, with serine, which is neutral and polar, at codon 218 of the CHRNA1 protein (p.Tyr218Ser). This variant is not present in population databases (gnomAD no frequency). This variant has not been reported in the literature in individuals affected with CHRNA1-related conditions. ClinVar contains an entry for this variant (Variation ID: 1398973). Advanced modeling of protein sequence and biophysical properties (such as structural, functional, and spatial information, amino acid conservation, physicochemical variation, residue mobility, and thermodynamic stability) performed at Invitae indicates that this missense variant is not expected to disrupt CHRNA1 protein function. In summary, the available evidence is currently insufficient to determine the role of this variant in disease. Therefore, it has been classified as a Variant of Uncertain Significance.

NM_000079.4(CHRNA1):c.653A>C (p.Tyr218Ser)

Gene: CHRNA1 (cholinergic receptor nicotinic alpha 1 subunit; minus strand). Cytogenetic location: 2q31.1.
Variant type: single nucleotide variant.
Coding change: c.653A>C on transcript NM_000079.4 (MANE Select); coding-DNA position 653, A replaced by C.
Protein change: p.Tyr218Ser; replaces tyrosine 218 with serine.
Molecular consequence: missense variant.
Genome position (GRCh38, 1-based): chr2:174,753,628, T>G on the plus strand (A>C on the coding strand, the complement: CHRNA1 is on the minus strand). VCF-style: chr2-174753628-T-G. GRCh37 (hg19) VCF-style: chr2-175618356-T-G.
Other names: c.728A>C, p.Tyr243Ser (NM_001039523.3); short protein forms Y218S, Y243S.
Identifiers: ClinVar variation 1398973 (VCV001398973.8), dbSNP rs1574006535, ClinGen allele CA349339631.
Genomic context (GRCh38, chr2:174,753,628, plus strand): 5'-ACGTTGACGATGAAGTAGAGGGGCAGGCGCTGCATGACGAAGTGGTAGGTGATGTCCAGG[T>G]AGGGGGTGTCGGGGCAGCAGGAATAGGTCACGGAGTGCTTCCAGCCCCGGGACTCCTTGA-3'
Protein context (NP_000070.1, residues 208-228): VTYSCCPDTP[Tyr218Ser]LDITYHFVMQ